The following is an entry in ClinVar:

ClinVar aggregate classification (germline): Conflicting classifications of pathogenicity. Review status: criteria provided, conflicting classifications (1 of 4 stars). 2 submissions from 2 submitters: Uncertain significance (1); Likely benign (1). Last evaluated 2024-10-24.

Conditions:
Inborn genetic diseases. Identifiers: MedGen C0950123, MeSH D030342.
Holoprosencephaly 2 (HPE2). Identifiers: Orphanet 2162, MedGen C1834877, MONDO:0007999, OMIM 157170.

Submissions (2):

Labcorp Genetics (formerly Invitae), Labcorp
Classification: Uncertain significance for Holoprosencephaly 2. Last evaluated: 2024-10-24. Review status: criteria provided, single submitter. Criteria: Invitae Variant Classification Sherloc (09022015). Collection method: clinical testing. Allele origin: germline.
Comment: This variant, c.124_141del, results in the deletion of 6 amino acid(s) of the SIX3 protein (p.Gly42_Gly47del), but otherwise preserves the integrity of the reading frame. This variant is present in population databases (rs773045257, gnomAD 0.004%). This variant has not been reported in the literature in individuals affected with SIX3-related conditions. ClinVar contains an entry for this variant (Variation ID: 2083599). Experimental studies and prediction algorithms are not available or were not evaluated, and the functional significance of this variant is currently unknown. In summary, the available evidence is currently insufficient to determine the role of this variant in disease. Therefore, it has been classified as a Variant of Uncertain Significance.

Ambry Genetics
Classification: Likely benign for Inborn genetic diseases. Last evaluated: 2021-09-22. Review status: criteria provided, single submitter. Criteria: Ambry Variant Classification Scheme 2023. Collection method: clinical testing. Allele origin: germline.

NM_005413.4(SIX3):c.124_141del (p.Gly42_Gly47del)

Gene: SIX3 (SIX homeobox 3; plus strand). Cytogenetic location: 2p21.
Variant type: Deletion.
Coding change: c.124_141del on transcript NM_005413.4 (MANE Select); coding-DNA positions 124 to 141, 18 bases deleted (GGCGGCGCGGGAGGCGGC).
Protein change: p.Gly42_Gly47del.
Molecular consequence: inframe deletion.
Genome position (GRCh38, 1-based): chr2:44,942,228-44,942,245, GGCGGCGCGGGAGGCGGC deleted; deleting any 18 consecutive bases within chr2:44,942,216-44,942,245 gives the same sequence; the c. name uses the placement nearest the transcript's 3' end. VCF-style (leftmost placement, unchanged base first): chr2-44942215-TGCGGGAGGCGGCGGCGGC-T. GRCh37 (hg19) VCF-style: chr2-45169354-TGCGGGAGGCGGCGGCGGC-T.
Identifiers: ClinVar variation 2083599 (VCV002083599.5), dbSNP rs773045257, ClinGen allele CA1642261.